The following is an entry in ClinVar:

NM_015198.5(COBL):c.215G>T (p.Gly72Val)

Gene: COBL (cordon-bleu WH2 repeat protein; minus strand). Cytogenetic location: 7p12.1.
Variant type: single nucleotide variant.
Coding change: c.215G>T on transcript NM_015198.5 (MANE Select); coding-DNA position 215, G replaced by T.
Protein change: p.Gly72Val; replaces glycine 72 with valine.
Molecular consequence: missense variant.
Genome position (GRCh38, 1-based): chr7:51,219,771, C>A on the plus strand (G>T on the coding strand, the complement: COBL is on the minus strand). VCF-style: chr7-51219771-C-A. GRCh37 (hg19) VCF-style: chr7-51287468-C-A.
Other names: c.215G>T, p.Gly72Val (NM_001287436.3, NM_001287438.3, NM_001346441.2 and 3 more transcripts); short protein forms G72V.
Identifiers: ClinVar variation 91989 (VCV000091989.2), dbSNP rs386352293, ClinGen allele CA232304.

ClinVar aggregate classification (germline): Uncertain significance (0 of 4 stars; one submission).

Submission:

Richard Lifton Laboratory, Yale University School of Medicine
Classification: Uncertain significance. Review status: no assertion criteria provided. Collection method: not provided. Allele origin: somatic.
Comment: COBL
ClinVar note: Converted during submission from unknown to Uncertain significance.